The following is an entry in ClinVar:

ClinVar aggregate classification (germline): Uncertain significance (1 of 4 stars; one submission).

Conditions:
Monosomy 7 myelodysplasia and leukemia syndrome 2. Identifiers: MedGen C5436668, MONDO:0030801, OMIM 619041.

Allele frequency attached by ClinVar (database versions not stated): gnomAD exomes below 0.00001; TOPMed below 0.00001; gnomAD 0.00001.
gnomAD v4.1: 3 of 1,613,866 alleles (0.00019%); highest among the groups gnomAD compares: Non-Finnish European, 0.00025%; no homozygotes.

Submission:

St. Jude Molecular Pathology, St. Jude Children's Research Hospital
Classification: Uncertain significance for Monosomy 7 myelodysplasia and leukemia syndrome 2. Last evaluated: 2022-10-24. Review status: criteria provided, single submitter. Criteria: St. Jude Assertion Criteria 2020. Collection method: clinical testing. Allele origin: germline.
Comment: The SAMD9 c.1649A>T (p.Asp550Val) missense change is absent in gnomAD v2.1.1. The in silico tool REVEL predicts a benign effect on protein function, however in silico predictions have not been found to correlate with syndromic risk and are thus not considered supporting evidence of a pathogenic or benign effect (PMID: 34621053). A functional study evaluating proliferation of a cell line expressing SAMD9 mutant proteins indicated that Asp550Val-SAMD9 showed no significant difference versus wild-type (PMID: 30322869). This variant has been reported in the literature in at least one adult patient with myelodysplastic syndrome and bone marrow failure (PMID: 30322869). In summary, the evidence currently available is insufficient to determine the clinical significance of this variant. It has therefore been classified as of uncertain significance.

NM_017654.4(SAMD9):c.1649A>T (p.Asp550Val)

Gene: SAMD9 (sterile alpha motif domain containing 9; minus strand). Cytogenetic location: 7q21.2.
Variant type: single nucleotide variant.
Coding change: c.1649A>T on transcript NM_017654.4 (MANE Select); coding-DNA position 1649, A replaced by T.
Protein change: p.Asp550Val; replaces aspartic acid 550 with valine.
Molecular consequence: missense variant.
Genome position (GRCh38, 1-based): chr7:93,104,449, T>A on the plus strand (A>T on the coding strand, the complement: SAMD9 is on the minus strand). VCF-style: chr7-93104449-T-A. GRCh37 (hg19) VCF-style: chr7-92733762-T-A.
Other names: c.1649A>T, p.Asp550Val (NM_001193307.2); short protein forms D550V.
Identifiers: ClinVar variation 2444889 (VCV002444889.1), dbSNP rs1323260181, ClinGen allele CA368195498.